The following is an entry in ClinVar:

NM_001379081.2(FREM1):c.6109G>A (p.Ala2037Thr)

Gene: FREM1 (FRAS1 related extracellular matrix 1; minus strand). Cytogenetic location: 9p22.3.
Variant type: single nucleotide variant.
Coding change: c.6109G>A on transcript NM_001379081.2 (MANE Select); coding-DNA position 6109, G replaced by A.
Protein change: p.Ala2037Thr; replaces alanine 2037 with threonine.
Molecular consequence: missense variant. On other transcripts: non-coding transcript variant (3).
Genome position (GRCh38, 1-based): chr9:14,746,952, C>T on the plus strand (G>A on the coding strand, the complement: FREM1 is on the minus strand). VCF-style: chr9-14746952-C-T. GRCh37 (hg19) VCF-style: chr9-14746950-C-T.
Other names: c.1717G>A, p.Ala573Thr (NM_001177704.3, NM_001370061.2); c.1567G>A, p.Ala523Thr (NM_001370058.2); c.6109G>A, p.Ala2037Thr (NM_144966.7); short protein forms A573T, A2037T, A523T.
Identifiers: ClinVar variation 1917153 (VCV001917153.6), dbSNP rs201502030, ClinGen allele CA4989556.
Genomic context (GRCh38, chr9:14,746,952, plus strand): 5'-AAGGTGCTTGGCTGCTCAGCCTGCCTCCTACCTTGGTTTGGGGACTCCAGGCTTTCCAGG[C>T]GATCCCATTGCACTGATACAGCTTCTGGATGCCTTCTTCAAAATGGAAGAGTCCCTTTAA-3'
Protein context (NP_001366010.1, residues 2027-2047): IQKLYQCNGI[Ala2037Thr]WKAWSPQTKD

ClinVar aggregate classification (germline): Uncertain significance. Review status: criteria provided, multiple submitters, no conflicts (2 of 4 stars). 3 submissions from 3 submitters: Uncertain significance (3). Last evaluated 2025-06-12.

Conditions:
Inborn genetic diseases. Identifiers: MedGen C0950123, MeSH D030342.
BNAR syndrome. Also called: Bifid Nose With or Without Anorectal and Renal Anomalies (BNAR) Syndrome. Identifiers: Orphanet 217266, MedGen C2750433, MONDO:0012165, OMIM 608980.
Oculotrichoanal syndrome (MOTA). Also called: MARLES SYNDROME; Manitoba Oculotrichoanal (MOTA) Syndrome. Identifiers: Orphanet 2717, MedGen C1855425, MONDO:0009560, OMIM 248450.
Trigonocephaly 2 (TRIGNO2). Identifiers: Orphanet 3366, MedGen C3280974, MONDO:0013774, OMIM 614485.

Allele frequency attached by ClinVar (database versions not stated): ESP Exome Variant Server 0.00025.
gnomAD v4.1: 143 of 1,613,054 alleles (0.0089%); highest among the groups gnomAD compares: African/African-American, 0.012%; no homozygotes.

Submissions (3):

Labcorp Genetics (formerly Invitae), Labcorp
Classification: Uncertain significance. Last evaluated: 2025-06-12. Review status: criteria provided, single submitter. Criteria: Invitae Variant Classification Sherloc (09022015). Collection method: clinical testing. Allele origin: germline.
Comment: This sequence change replaces alanine, which is neutral and non-polar, with threonine, which is neutral and polar, at codon 2037 of the FREM1 protein (p.Ala2037Thr). This variant is present in population databases (rs201502030, gnomAD 0.02%). This variant has not been reported in the literature in individuals affected with FREM1-related conditions. ClinVar contains an entry for this variant (Variation ID: 1917153). An algorithm developed to predict the effect of missense changes on protein structure and function outputs the following: PolyPhen-2: "Benign". The threonine amino acid residue is found in multiple mammalian species, which suggests that this missense change does not adversely affect protein function. In summary, the available evidence is currently insufficient to determine the role of this variant in disease. Therefore, it has been classified as a Variant of Uncertain Significance.

Fulgent Genetics
Classification: Uncertain significance for Oculotrichoanal syndrome; BNAR syndrome; Trigonocephaly 2. Last evaluated: 2024-03-19. Review status: criteria provided, single submitter. Criteria: ACMG Guidelines, 2015. Collection method: clinical testing. Allele origin: germline.

Ambry Genetics
Classification: Uncertain significance for Inborn genetic diseases. Last evaluated: 2021-08-17. Review status: criteria provided, single submitter. Criteria: Ambry Variant Classification Scheme 2023. Collection method: clinical testing. Allele origin: germline.